The following is an entry in ClinVar:

NM_001330311.2(DVL1):c.926T>C (p.Phe309Ser)

Gene: DVL1 (dishevelled segment polarity protein 1; minus strand). Cytogenetic location: 1p36.33.
Variant type: single nucleotide variant.
Coding change: c.926T>C on transcript NM_001330311.2 (MANE Select); coding-DNA position 926, T replaced by C.
Protein change: p.Phe309Ser; replaces phenylalanine 309 with serine.
Molecular consequence: missense variant.
Genome position (GRCh38, 1-based): chr1:1,339,796, A>G on the plus strand (T>C on the coding strand, the complement: DVL1 is on the minus strand). VCF-style: chr1-1339796-A-G. GRCh37 (hg19) VCF-style: chr1-1275176-A-G.
Other names: c.926T>C, p.Phe309Ser (NM_004421.3); short protein forms F309S.
Identifiers: ClinVar variation 3384558 (VCV003384558.1).

ClinVar aggregate classification (germline): Uncertain significance (1 of 4 stars; one submission).

Submission:

GeneDx
Classification: Uncertain significance. Last evaluated: 2024-06-03. Review status: criteria provided, single submitter. Criteria: GeneDx Variant Classification Process June 2021. Collection method: clinical testing. Allele origin: germline. Affected: yes.
Comment: Not observed at significant frequency in large population cohorts (gnomAD); In silico analysis supports that this missense variant has a deleterious effect on protein structure/function; Has not been previously published as pathogenic or benign to our knowledge